The following is an entry in ClinVar:

ClinVar aggregate classification (germline): Likely benign. Review status: criteria provided, multiple submitters, no conflicts (2 of 4 stars). 3 submissions from 3 submitters: Likely benign (2). 1 of the submissions does not count toward it. Last evaluated 2026-03-28.

Conditions:
NAGLU-related disorder. Also called: NAGLU-related condition.
Mucopolysaccharidosis, MPS-III-B (MPS3B). Also called: MPS IIIB (Sanfilippo Syndrome Type B); MUCOPOLYSACCHARIDOSIS, TYPE IIIB; Mucopolysaccharidosis type IIIB (Sanfilippo B); N-ACETYL-ALPHA-D-GLUCOSAMINIDASE DEFICIENCY; NAGLU DEFICIENCY; SANFILIPPO SYNDROME B. Identifiers: Orphanet 79270, MedGen C0086648, MONDO:0009656, OMIM 252920.
Charcot-Marie-Tooth disease axonal type 2V. Also called: CHARCOT-MARIE-TOOTH NEUROPATHY, TYPE 2V; CHARCOT-MARIE-TOOTH DISEASE, AXONAL, AUTOSOMAL DOMINANT, TYPE 2V. Identifiers: Orphanet 447964, MedGen C5569050, MONDO:0014665, OMIM 616491.

Allele frequency attached by ClinVar (database versions not stated): gnomAD exomes below 0.00001 and 0.00001; TOPMed below 0.00001; ExAC 0.00001.
gnomAD v4.1: 11 of 1,613,968 alleles (0.00068%); highest among the groups gnomAD compares: East Asian, 0.0067%; no homozygotes.

Submissions (3):

PreventionGenetics, part of Exact Sciences
Classification: Likely benign for NAGLU-related condition. Last evaluated: 2026-03-28. Review status: criteria provided, single submitter. Criteria: ACMG Guidelines, 2015. Collection method: clinical testing. Allele origin: germline.
Comment: This variant is classified as likely benign based on ACMG/AMP sequence variant interpretation guidelines (Richards et al. 2015 PMID: 25741868, with internal and published modifications).

Labcorp Genetics (formerly Invitae), Labcorp
Classification: Likely benign for Charcot-Marie-Tooth disease axonal type 2V; Mucopolysaccharidosis, MPS-III-B. Last evaluated: 2026-01-12. Review status: criteria provided, single submitter. Criteria: Invitae Variant Classification Sherloc (09022015). Collection method: clinical testing. Allele origin: germline.

Natera, Inc.
Classification: Uncertain significance for Mucopolysaccharidosis type IIIB. Last evaluated: 2020-02-17. Review status: no assertion criteria provided. Collection method: clinical testing. Allele origin: germline. Not counted in ClinVar's aggregate classification.

NM_000263.4(NAGLU):c.753G>A (p.Glu251=)

Gene: NAGLU (N-acetyl-alpha-glucosaminidase; plus strand). Cytogenetic location: 17q21.2.
Variant type: single nucleotide variant.
Coding change: c.753G>A on transcript NM_000263.4 (MANE Select); coding-DNA position 753, G replaced by A.
Protein change: p.Glu251=; no amino-acid change (glutamic acid 251 retained).
Molecular consequence: synonymous variant.
Genome position (GRCh38, 1-based): chr17:42,538,744, G>A. VCF-style: chr17-42538744-G-A. GRCh37 (hg19) VCF-style: chr17-40690762-G-A.
Identifiers: ClinVar variation 965711 (VCV000965711.8), dbSNP rs367604063, ClinGen allele CA8576845.